The following is an entry in ClinVar:

ClinVar aggregate classification (germline): Uncertain significance (1 of 4 stars; one submission).

Conditions:
Infantile myofibromatosis (IMF). Also called: Congenital generalized fibromatosis. Identifiers: Orphanet 2591, MedGen C0432284, MONDO:0016824.
Skeletal overgrowth-craniofacial dysmorphism-hyperelastic skin-white matter lesions syndrome. Also called: SKELETAL OVERGROWTH WITH FACIAL DYSMORPHISM, HYPERELASTIC SKIN, WHITE MATTER LESIONS, AND NEUROLOGIC DETERIORATION; Kosaki overgrowth syndrome. Identifiers: Orphanet 477831, MedGen C4225270, MONDO:0014704, OMIM 616592.
Acroosteolysis-keloid-like lesions-premature aging syndrome. Also called: Premature aging syndrome, Penttinen type; Prematurely aged appearance, delayed bone maturation, acro-osteolysis, and brachydactyly; Progeroid syndrome, Penttinen type. Identifiers: Orphanet 363665, MedGen C1866182, MONDO:0011150, OMIM 601812.
Basal ganglia calcification, idiopathic, 4 (PFBC4). Also called: Familial Idiopathic Basal Ganglia Calcification 4; PRIMARY FAMILIAL BRAIN CALCIFICATION 4, AUTOSOMAL DOMINANT. Identifiers: Orphanet 1980, MedGen C3554321, MONDO:0014004, OMIM 615007.

Allele frequency attached by ClinVar (database versions not stated): TOPMed 0.00002; gnomAD 0.00003.
gnomAD v4.1: 40 of 1,603,364 alleles (0.0025%); highest among the groups gnomAD compares: Non-Finnish European, 0.0031%; no homozygotes.

Submission:

Labcorp Genetics (formerly Invitae), Labcorp
Classification: Uncertain significance for Basal ganglia calcification, idiopathic, 4; Skeletal overgrowth-craniofacial dysmorphism-hyperelastic skin-white matter lesions syndrome; Infantile myofibromatosis; Acroosteolysis-keloid-like lesions-premature aging syndrome. Last evaluated: 2023-01-15. Review status: criteria provided, single submitter. Criteria: Invitae Variant Classification Sherloc (09022015). Collection method: clinical testing. Allele origin: germline.
Comment: In summary, the available evidence is currently insufficient to determine the role of this variant in disease. Therefore, it has been classified as a Variant of Uncertain Significance. Variants that disrupt the consensus splice site are a relatively common cause of aberrant splicing (PMID: 17576681, 9536098). Algorithms developed to predict the effect of sequence changes on RNA splicing suggest that this variant is not likely to affect RNA splicing. This variant has not been reported in the literature in individuals affected with PDGFRB-related conditions. This variant is present in population databases (rs778954389, gnomAD 0.005%). This sequence change falls in intron 14 of the PDGFRB gene. It does not directly change the encoded amino acid sequence of the PDGFRB protein. It affects a nucleotide within the consensus splice site.

Literature cited by the submitters: PubMed 17576681; PubMed 9536098.

NM_002609.4(PDGFRB):c.2023+6G>A

Gene: PDGFRB (platelet derived growth factor receptor beta; minus strand). Cytogenetic location: 5q32.
Variant type: single nucleotide variant.
Coding change: c.2023+6G>A on transcript NM_002609.4 (MANE Select); 6 bases into the intron after coding-DNA position 2023, G replaced by A.
Molecular consequence: intron variant.
Genome position (GRCh38, 1-based): chr5:150,124,244, C>T on the plus strand (G>A on the coding strand, the complement: PDGFRB is on the minus strand). VCF-style: chr5-150124244-C-T. GRCh37 (hg19) VCF-style: chr5-149503807-C-T.
Other names: c.1831+6G>A (NM_001355016.2); c.1540+6G>A (NM_001355017.2).
Identifiers: ClinVar variation 2080271 (VCV002080271.4), dbSNP rs778954389, ClinGen allele CA3507784.